The following is an entry in ClinVar:

NM_021098.3(CACNA1H):c.2225C>A (p.Pro742His)

Gene: CACNA1H (calcium voltage-gated channel subunit alpha1 H; plus strand). Cytogenetic location: 16p13.3.
Variant type: single nucleotide variant.
Coding change: c.2225C>A on transcript NM_021098.3 (MANE Select); coding-DNA position 2225, C replaced by A.
Protein change: p.Pro742His; replaces proline 742 with histidine.
Molecular consequence: missense variant.
Genome position (GRCh38, 1-based): chr16:1,204,232, C>A. VCF-style: chr16-1204232-C-A. GRCh37 (hg19) VCF-style: chr16-1254232-C-A.
Other names: c.2225C>A, p.Pro742His (NM_001005407.2); short protein forms P742H.
Identifiers: ClinVar variation 859191 (VCV000859191.9), dbSNP rs377176081, ClinGen allele CA394166009.

ClinVar aggregate classification (germline): Uncertain significance (1 of 4 stars; one submission).

Conditions:
Idiopathic generalized epilepsy. Also called: Generalised epilepsy; EIG. Identifiers: MedGen C0270850, MONDO:0005579, OMIM 600669.
Hyperaldosteronism, familial, type IV (HALD4). Also called: FH IV; ALDOSTERONISM, PRIMARY, AND HYPERTENSION. Identifiers: Orphanet 642671, MedGen C4310756, MONDO:0014875, OMIM 617027.

Allele frequency attached by ClinVar (database versions not stated): TOPMed below 0.00001.

Submission:

Labcorp Genetics (formerly Invitae), Labcorp
Classification: Uncertain significance for Idiopathic generalized epilepsy; Hyperaldosteronism, familial, type IV. Last evaluated: 2019-03-03. Review status: criteria provided, single submitter. Criteria: Invitae Variant Classification Sherloc (09022015). Collection method: clinical testing. Allele origin: germline.
Comment: Algorithms developed to predict the effect of missense changes on protein structure and function are either unavailable or do not agree on the potential impact of this missense change (SIFT: "Deleterious"; PolyPhen-2: "Possibly Damaging"; Align-GVGD: "Class C0"). In summary, the available evidence is currently insufficient to determine the role of this variant in disease. Therefore, it has been classified as a Variant of Uncertain Significance. This sequence change replaces proline with histidine at codon 742 of the CACNA1H protein (p.Pro742His). The proline residue is moderately conserved and there is a moderate physicochemical difference between proline and histidine. This variant is not present in population databases (ExAC no frequency). This variant has not been reported in the literature in individuals with CACNA1H-related conditions.